The following is an entry in ClinVar:

ClinVar aggregate classification (germline): Uncertain significance. Review status: criteria provided, multiple submitters, no conflicts (2 of 4 stars). 2 submissions from 2 submitters: Uncertain significance (2). Last evaluated 2025-04-04.

Conditions:
Hereditary cancer-predisposing syndrome. Also called: Neoplastic Syndromes, Hereditary; Tumor predisposition; Hereditary Cancer Syndrome; Hereditary neoplastic syndrome. Identifiers: Orphanet 140162, MedGen C0027672, MeSH D009386, MONDO:0015356.

Submissions (2):

GeneDx
Classification: Uncertain significance. Last evaluated: 2025-04-04. Review status: criteria provided, single submitter. Criteria: GeneDx Variant Classification Process June 2021. Collection method: clinical testing. Allele origin: germline. Affected: yes.
Comment: Not observed at significant frequency in large population cohorts (gnomAD); In silico analysis supports that this missense variant has a deleterious effect on protein structure/function; Has not been previously published as pathogenic or benign to our knowledge; This variant is associated with the following publications: (PMID: 15863673)

Ambry Genetics
Classification: Uncertain significance for Hereditary cancer-predisposing syndrome. Last evaluated: 2021-02-12. Review status: criteria provided, single submitter. Criteria: Ambry Variant Classification Scheme 2023. Collection method: clinical testing. Allele origin: germline.
Comment: The p.I300S variant (also known as c.899T>G), located in coding exon 7 of the STK11 gene, results from a T to G substitution at nucleotide position 899. The isoleucine at codon 300 is replaced by serine, an amino acid with dissimilar properties. This amino acid position is well conserved in available vertebrate species. In addition, this alteration is predicted to be deleterious by in silico analysis. Since supporting evidence is limited at this time, the clinical significance of this alteration remains unclear.

NM_000455.5(STK11):c.899T>G (p.Ile300Ser)

Gene: STK11 (serine/threonine kinase 11; plus strand). Cytogenetic location: 19p13.3.
Variant type: single nucleotide variant.
Coding change: c.899T>G on transcript NM_000455.5 (MANE Select); coding-DNA position 899, T replaced by G.
Protein change: p.Ile300Ser; replaces isoleucine 300 with serine.
Molecular consequence: missense variant.
Genome position (GRCh38, 1-based): chr19:1,221,985, T>G. VCF-style: chr19-1221985-T-G. GRCh37 (hg19) VCF-style: chr19-1221984-T-G.
Other names: c.899T>G, p.Ile300Ser (NM_001407255.1); short protein forms I300S.
Identifiers: ClinVar variation 1765392 (VCV001765392.3), dbSNP rs2145428790, ClinGen allele CA402951273.
Genomic context (GRCh38, chr19:1,221,985, plus strand): 5'-GGCTCCTCGCCGGCTTCTCCTCAGGGATGCTTGAGTACGAACCGGCCAAGAGGTTCTCCA[T>G]CCGGCAGATCCGGCAGCACAGGTGAGCGGCCCCTGGGGGCAGTGGGGCCGAGGCTGCAGG-3'
Protein context (NP_000446.1, residues 290-310): LEYEPAKRFS[Ile300Ser]RQIRQHSWFR